The following is an entry in ClinVar:

ClinVar aggregate classification (germline): Uncertain significance (1 of 4 stars; one submission).

Allele frequency attached by ClinVar (database versions not stated): ExAC 0.00003; gnomAD exomes 0.00003; gnomAD 0.00006; TOPMed 0.00013.
gnomAD v4.1: 22 of 1,607,628 alleles (0.0014%); highest among the groups gnomAD compares: Admixed American, 0.03%; no homozygotes.

Submission:

Labcorp Genetics (formerly Invitae), Labcorp
Classification: Uncertain significance. Last evaluated: 2023-06-13. Review status: criteria provided, single submitter. Criteria: Invitae Variant Classification Sherloc (09022015). Collection method: clinical testing. Allele origin: germline.
Comment: In summary, the available evidence is currently insufficient to determine the role of this variant in disease. Therefore, it has been classified as a Variant of Uncertain Significance. Variants that disrupt the consensus splice site are a relatively common cause of aberrant splicing (PMID: 17576681, 9536098). Algorithms developed to predict the effect of sequence changes on RNA splicing suggest that this variant may disrupt the consensus splice site. An algorithm developed to predict the effect of missense changes on protein structure and function (PolyPhen-2) suggests that this variant¬†is likely to be tolerated. ClinVar contains an entry for this variant (Variation ID: 1422024). This variant has not been reported in the literature in individuals affected with PISD-related conditions. This variant is present in population databases (rs775307712, gnomAD 0.01%). This sequence change replaces serine, which is neutral and polar, with isoleucine, which is neutral and non-polar, at codon 22 of the PISD protein (p.Ser22Ile). This variant also falls at the last nucleotide of exon 1, which is part of the consensus splice site for this exon.

Literature cited by the submitters: PubMed 17576681; PubMed 9536098.

NM_001326411.2(PISD):c.65G>T (p.Ser22Ile)

Genes: PISD (phosphatidylserine decarboxylase; minus strand), LOC126863123 (P300/CBP strongly-dependent group 1 enhancer GRCh37_chr22:32057235-32058434; plus strand). Cytogenetic location: 22q12.2.
Variant type: single nucleotide variant.
Coding change: c.65G>T on transcript NM_001326411.2 (MANE Select); coding-DNA position 65, G replaced by T.
Protein change: p.Ser22Ile; replaces serine 22 with isoleucine.
Molecular consequence: missense variant. On other transcripts: 5 prime UTR variant (8).
Genome position (GRCh38, 1-based): chr22:31,662,144, C>A on the plus strand (G>T on the coding strand, the complement: PISD is on the minus strand). VCF-style: chr22-31662144-C-A. GRCh37 (hg19) VCF-style: chr22-32058130-C-A.
Other names: c.65G>T, p.Ser22Ile (NM_001326412.1, NM_001326421.1); c.-85G>T (NM_001326413.2); c.-165G>T (NM_001326414.2); c.-378G>T (NM_001326415.2); c.-567G>T (NM_001326416.2); c.-458G>T (NM_001326417.2, NM_001326419.2); c.-36G>T (NM_001326418.2, NM_001326420.2); short protein forms S22I.
Identifiers: ClinVar variation 1422024 (VCV001422024.4), dbSNP rs775307712, ClinGen allele CA10195032.